The following is an entry in ClinVar:

ClinVar aggregate classification (germline): Likely benign. Review status: criteria provided, multiple submitters, no conflicts (2 of 4 stars). 3 submissions from 3 submitters: Likely benign (3). Last evaluated 2025-12-16.

Conditions:
MYCBP2-related disorder. Also called: MYCBP2-related condition.

Allele frequency attached by ClinVar (database versions not stated): gnomAD exomes 0.00004 and 0.00013; ExAC 0.00014; 1000 Genomes Project 0.00040; 1000 Genomes Project 30x 0.00047; gnomAD 0.00050 and 0.00053; TOPMed 0.00052; ESP Exome Variant Server 0.00062.
gnomAD v4.1: 139 of 1,610,826 alleles (0.0086%); highest among the groups gnomAD compares: African/African-American, 0.16%; no homozygotes.

Submissions (3):

PreventionGenetics, part of Exact Sciences
Classification: Likely benign for MYCBP2-related condition. Last evaluated: 2025-12-16. Review status: criteria provided, single submitter. Criteria: ACMG Guidelines, 2015. Collection method: clinical testing. Allele origin: germline.
Comment: This variant is classified as likely benign based on ACMG/AMP sequence variant interpretation guidelines (Richards et al. 2015 PMID: 25741868, with internal and published modifications).

Labcorp Genetics (formerly Invitae), Labcorp
Classification: Likely benign. Last evaluated: 2018-06-27. Review status: criteria provided, single submitter. Criteria: Invitae Variant Classification Sherloc (09022015). Collection method: clinical testing. Allele origin: germline.

Breakthrough Genomics
Classification: Likely benign. Review status: criteria provided, single submitter. Criteria: ACMG Guidelines, 2015. Collection method: not provided. Allele origin: germline. Inheritance: Unknown mechanism. Affected: yes.

NM_015057.5(MYCBP2):c.2055G>C (p.Gln685His)

Gene: MYCBP2 (MYC binding protein 2; minus strand). Cytogenetic location: 13q22.3.
Variant type: single nucleotide variant.
Coding change: c.2055G>C on transcript NM_015057.5 (MANE Select); coding-DNA position 2055, G replaced by C.
Protein change: p.Gln685His; replaces glutamine 685 with histidine.
Molecular consequence: missense variant.
Genome position (GRCh38, 1-based): chr13:77,257,792, C>G on the plus strand (G>C on the coding strand, the complement: MYCBP2 is on the minus strand). VCF-style: chr13-77257792-C-G. GRCh37 (hg19) VCF-style: chr13-77831927-C-G.
Other names: short protein forms Q685H.
Identifiers: ClinVar variation 739574 (VCV000739574.5), dbSNP rs139678705, ClinGen allele CA7010320.
Genomic context (GRCh38, chr13:77,257,792, plus strand): 5'-AAATGTCCACACCTCTCCATTCTTCATTAAAACACAAGTGTGAGCTTTGCCCATAGCTAC[C>G]TGAGTTACAAAATGGCCCTTCAAATCAGTTACCAAACCTATAGGAAAGAAACAAATTTAG-3'
Protein context (NP_055872.4, residues 675-695): VTDLKGHFVT[Gln685His]VAMGKAHTCV